The following is an entry in ClinVar:

ClinVar aggregate classification (germline): Uncertain significance (1 of 4 stars; one submission).

Conditions:
Familial thoracic aortic aneurysm and aortic dissection (TAAD). Also called: Thoracic aortic aneurysms and dissections. Identifiers: Orphanet 91387, MedGen C4707243, MONDO:0019625.

Submission:

All of Us Research Program, National Institutes of Health
Classification: Uncertain significance for Familial thoracic aortic aneurysm and aortic dissection. Last evaluated: 2023-06-26. Review status: criteria provided, single submitter. Criteria: ACMG Guidelines, 2015. Collection method: clinical testing. Allele origin: germline. Inheritance: Autosomal dominant inheritance. Observed: 1 variant allele, 1 heterozygote.
Comment: This missense variant replaces glutamic acid with glycine at codon 1395 of the MYH11 protein. Computational prediction suggests that this variant may have deleterious impact on protein structure and function (internally defined REVEL score threshold >= 0.7, PMID: 27666373). To our knowledge, functional studies have not been reported for this variant. This variant has not been reported in individuals affected with MYH11-related disorders in the literature. This variant has not been identified in the general population by the Genome Aggregation Database (gnomAD). The available evidence is insufficient to determine the role of this variant in disease conclusively. Therefore, this variant is classified as a Variant of Uncertain Significance.

This study involves interpretation of variants in research participants for the purpose of population health screening. Participant phenotype was not available at the time of variant classification. Additional details can be found in publication PMID: 35346344, PMCID: PMC8962531

NM_002474.3(MYH11):c.4163A>G (p.Glu1388Gly)

Genes: NDE1 (nudE neurodevelopment protein 1; plus strand), MYH11 (myosin heavy chain 11; minus strand). Cytogenetic location: 16p13.11.
Variant type: single nucleotide variant.
Coding change: c.4163A>G on transcript NM_002474.3 (MANE Select); coding-DNA position 4163, A replaced by G.
Protein change: p.Glu1388Gly; replaces glutamic acid 1388 with glycine.
Molecular consequence: missense variant. On other transcripts: 3 prime UTR variant (2).
Genome position (GRCh38, 1-based): chr16:15,724,363, T>C on the plus strand (A>G on the coding strand, the complement: MYH11 is on the minus strand). VCF-style: chr16-15724363-T-C. GRCh37 (hg19) VCF-style: chr16-15818220-T-C.
Other names: c.4184A>G, p.Glu1395Gly (NM_001040113.2, NM_001040114.2); c.4163A>G, p.Glu1388Gly (NM_022844.3); c.*112T>C (NM_001143979.2, NM_017668.3); short protein forms E1388G, E1395G.
Identifiers: ClinVar variation 3072172 (VCV003072172.1), dbSNP rs2506141526, ClinGen allele CA394857455.